The following is an entry in ClinVar:

ClinVar aggregate classification (germline): Uncertain significance (1 of 4 stars; one submission).

Conditions:
Hereditary cancer-predisposing syndrome. Also called: Neoplastic Syndromes, Hereditary; Tumor predisposition; Hereditary Cancer Syndrome; Hereditary neoplastic syndrome. Identifiers: Orphanet 140162, MedGen C0027672, MeSH D009386, MONDO:0015356.

Submission:

Ambry Genetics
Classification: Uncertain significance for Hereditary cancer-predisposing syndrome. Last evaluated: 2021-07-29. Review status: criteria provided, single submitter. Criteria: Ambry Variant Classification Scheme 2023. Collection method: clinical testing. Allele origin: germline.
Comment: The p.E637K variant (also known as c.1909G>A), located in coding exon 13 of the PDGFRA gene, results from a G to A substitution at nucleotide position 1909. The glutamic acid at codon 637 is replaced by lysine, an amino acid with similar properties. This amino acid position is conserved. In addition, this alteration is predicted to be deleterious by in silico analysis. Since supporting evidence is limited at this time, the clinical significance of this alteration remains unclear.

NM_006206.6(PDGFRA):c.1909G>A (p.Glu637Lys)

Gene: PDGFRA (platelet derived growth factor receptor alpha; plus strand). Cytogenetic location: 4q12.
Variant type: single nucleotide variant.
Coding change: c.1909G>A on transcript NM_006206.6 (MANE Select); coding-DNA position 1909, G replaced by A.
Protein change: p.Glu637Lys; replaces glutamic acid 637 with lysine.
Molecular consequence: missense variant.
Genome position (GRCh38, 1-based): chr4:54,277,913, G>A. VCF-style: chr4-54277913-G-A. GRCh37 (hg19) VCF-style: chr4-55144080-G-A.
Other names: c.1909G>A, p.Glu637Lys (NM_001347827.2, NM_001347829.2); c.1984G>A, p.Glu662Lys (NM_001347828.2); c.1948G>A, p.Glu650Lys (NM_001347830.2); short protein forms E637K, E650K, E662K.
Identifiers: ClinVar variation 1782464 (VCV001782464.2), dbSNP rs2475510838, ClinGen allele CA356893596.
Genomic context (GRCh38, chr4:54,277,913, plus strand): 5'-TGGTAGCTCAGCTGGACTGATATGTGATTTATTCTTTCAACAGCCACGGCCAGATCCAGT[G>A]AAAAACAAGCTCTCATGTCTGAACTGAAGATAATGACTCACCTGGGGCCACATTTGAACA-3'
Protein context (NP_006197.1, residues 627-647): KMLKPTARSS[Glu637Lys]KQALMSELKI